The following is an entry in ClinVar:

NM_000038.6(APC):c.2561G>C (p.Arg854Thr)

Gene: APC (APC regulator of Wnt signaling pathway; plus strand). Cytogenetic location: 5q22.2.
Variant type: single nucleotide variant.
Coding change: c.2561G>C on transcript NM_000038.6 (MANE Select); coding-DNA position 2561, G replaced by C.
Protein change: p.Arg854Thr; replaces arginine 854 with threonine.
Molecular consequence: missense variant.
Genome position (GRCh38, 1-based): chr5:112,838,155, G>C. VCF-style: chr5-112838155-G-C. GRCh37 (hg19) VCF-style: chr5-112173852-G-C.
Other names: c.2486G>C, p.Arg829Thr (NM_001354898.2); c.2477G>C, p.Arg826Thr (NM_001354899.2); c.2438G>C, p.Arg813Thr (NM_001354900.2); c.2384G>C, p.Arg795Thr (NM_001354901.2); c.2183G>C, p.Arg728Thr (NM_001354904.2); c.1712G>C, p.Arg571Thr (NM_001354906.2); c.2288G>C, p.Arg763Thr (NM_001354902.2); c.2258G>C, p.Arg753Thr (NM_001354903.2); and 5 more; short protein forms R795T, R836T, R872T, R694T, R763T, R864T, R571T, R753T.
Identifiers: ClinVar variation 821482 (VCV000821482.11), dbSNP rs1580623995, ClinGen allele CA16026945.

ClinVar aggregate classification (germline): Uncertain significance. Review status: criteria provided, multiple submitters, no conflicts (2 of 4 stars). 2 submissions from 2 submitters: Uncertain significance (2). Last evaluated 2025-07-21.

Conditions:
Familial adenomatous polyposis 1 (FAP1). Also called: FAMILIAL ADENOMATOUS POLYPOSIS 1, ATTENUATED; POLYPOSIS, ADENOMATOUS INTESTINAL. Identifiers: MedGen C2713442, MONDO:0021056, OMIM 175100. Disease mechanism: loss of function.
Hereditary cancer-predisposing syndrome. Also called: Neoplastic Syndromes, Hereditary; Tumor predisposition; Hereditary Cancer Syndrome; Hereditary neoplastic syndrome. Identifiers: Orphanet 140162, MedGen C0027672, MeSH D009386, MONDO:0015356.

Submissions (2):

Labcorp Genetics (formerly Invitae), Labcorp
Classification: Uncertain significance for Familial adenomatous polyposis 1. Last evaluated: 2025-07-21. Review status: criteria provided, single submitter. Criteria: Invitae Variant Classification Sherloc (09022015). Collection method: clinical testing. Allele origin: germline.
Comment: This sequence change replaces arginine, which is basic and polar, with threonine, which is neutral and polar, at codon 854 of the APC protein (p.Arg854Thr). This variant is not present in population databases (gnomAD no frequency). This variant has not been reported in the literature in individuals affected with APC-related conditions. ClinVar contains an entry for this variant (Variation ID: 821482). Invitae Evidence Modeling of protein sequence and biophysical properties (such as structural, functional, and spatial information, amino acid conservation, physicochemical variation, residue mobility, and thermodynamic stability) indicates that this missense variant is not expected to disrupt APC protein function with a negative predictive value of 95%. In summary, the available evidence is currently insufficient to determine the role of this variant in disease. Therefore, it has been classified as a Variant of Uncertain Significance.

Ambry Genetics
Classification: Uncertain significance for Hereditary cancer-predisposing syndrome. Last evaluated: 2025-05-13. Review status: criteria provided, single submitter. Criteria: Ambry Variant Classification Scheme 2023. Collection method: clinical testing. Allele origin: germline.
Comment: The p.R854T variant (also known as c.2561G>C), located in coding exon 15 of the APC gene, results from a G to C substitution at nucleotide position 2561. The arginine at codon 854 is replaced by threonine, an amino acid with similar properties. This amino acid position is well conserved in available vertebrate species. In addition, in silico predictors for this gene do not accurately predict pathogenicity. Missense alterations in APC are not a common cause of disease (Spier I et al. Genet Med. 2024 Feb;26(2):100992). Based on the available evidence, the clinical significance of this variant remains unclear.